The following is an entry in ClinVar:

NM_032603.5(LOXL3):c.481G>C (p.Glu161Gln)

Genes: DOK1 (docking protein 1; plus strand), LOXL3 (lysyl oxidase like 3; minus strand). Cytogenetic location: 2p13.1.
Variant type: single nucleotide variant.
Coding change: c.481G>C on transcript NM_032603.5 (MANE Select); coding-DNA position 481, G replaced by C.
Protein change: p.Glu161Gln; replaces glutamic acid 161 with glutamine.
Molecular consequence: missense variant. On other transcripts: intron variant (2).
Genome position (GRCh38, 1-based): chr2:74,549,580, C>G on the plus strand (G>C on the coding strand, the complement: LOXL3 is on the minus strand). VCF-style: chr2-74549580-C-G. GRCh37 (hg19) VCF-style: chr2-74776707-C-G.
Other names: c.477+605G>C (NM_001289164.3); c.-358+408C>G (NM_001197260.2); short protein forms E161Q.
Identifiers: ClinVar variation 2827768 (VCV002827768.3), dbSNP rs755891381, ClinGen allele CA347395195.

ClinVar aggregate classification (germline): Uncertain significance (1 of 4 stars; one submission).

Submission:

Labcorp Genetics (formerly Invitae), Labcorp
Classification: Uncertain significance. Last evaluated: 2024-01-04. Review status: criteria provided, single submitter. Criteria: Invitae Variant Classification Sherloc (09022015). Collection method: clinical testing. Allele origin: germline.
Comment: This sequence change replaces glutamic acid, which is acidic and polar, with glutamine, which is neutral and polar, at codon 161 of the LOXL3 protein (p.Glu161Gln). This variant is not present in population databases (gnomAD no frequency). This variant has not been reported in the literature in individuals affected with LOXL3-related conditions. An algorithm developed to predict the effect of missense changes on protein structure and function (PolyPhen-2) suggests that this variant is likely to be tolerated. In summary, the available evidence is currently insufficient to determine the role of this variant in disease. Therefore, it has been classified as a Variant of Uncertain Significance.